The following is an entry in ClinVar:

ClinVar aggregate classification (germline): Uncertain significance (1 of 4 stars; one submission).

Conditions:
Developmental and epileptic encephalopathy, 8 (DEE8). Also called: HYPEREKPLEXIA AND EPILEPSY. Identifiers: Orphanet 163985, Orphanet 2076, MedGen C1845102, MONDO:0010375, OMIM 300607.

Allele frequency attached by ClinVar (database versions not stated): gnomAD exomes 0.00001.
gnomAD v4.1: 5 of 1,210,781 alleles (0.00041%); highest among the groups gnomAD compares: Non-Finnish European, 0.00056%; no homozygotes.

Submission:

Labcorp Genetics (formerly Invitae), Labcorp
Classification: Uncertain significance for Developmental and epileptic encephalopathy, 8. Last evaluated: 2023-06-14. Review status: criteria provided, single submitter. Criteria: Invitae Variant Classification Sherloc (09022015). Collection method: clinical testing. Allele origin: germline.
Comment: Advanced modeling of protein sequence and biophysical properties (such as structural, functional, and spatial information, amino acid conservation, physicochemical variation, residue mobility, and thermodynamic stability) has been performed at Invitae for this missense variant, however the output from this modeling did not meet the statistical confidence thresholds required to predict the impact of this variant on ARHGEF9 protein function. This variant has not been reported in the literature in individuals affected with ARHGEF9-related conditions. The frequency data for this variant in the population databases is considered unreliable, as metrics indicate poor data quality at this position in the gnomAD database. This sequence change replaces asparagine, which is neutral and polar, with serine, which is neutral and polar, at codon 335 of the ARHGEF9 protein (p.Asn335Ser). In summary, the available evidence is currently insufficient to determine the role of this variant in disease. Therefore, it has been classified as a Variant of Uncertain Significance.

NM_001353921.2(ARHGEF9):c.1025A>G (p.Asn342Ser)

Gene: ARHGEF9 (Cdc42 guanine nucleotide exchange factor 9; minus strand). Cytogenetic location: Xq11.1.
Variant type: single nucleotide variant.
Coding change: c.1025A>G on transcript NM_001353921.2 (MANE Select); coding-DNA position 1025, A replaced by G.
Protein change: p.Asn342Ser; replaces asparagine 342 with serine.
Molecular consequence: missense variant. On other transcripts: intron variant (5).
Genome position (GRCh38, 1-based): chrX:63,665,938, T>C on the plus strand (A>G on the coding strand, the complement: ARHGEF9 is on the minus strand). VCF-style: chrX-63665938-T-C. GRCh37 (hg19) VCF-style: chrX-62885818-T-C.
Other names: c.845A>G, p.Asn282Ser (NM_001173479.2); c.698A>G, p.Asn233Ser (NM_001173480.2, NM_001369042.1); c.941A>G, p.Asn314Ser (NM_001330495.2, NM_001369033.1, NM_001369034.1 and 6 more transcripts); c.1043A>G, p.Asn348Ser (NM_001353923.1); c.824A>G, p.Asn275Ser (NM_001353924.2, NM_001353926.2, NM_001369039.1 and 1 more transcripts); c.1004A>G, p.Asn335Ser (NM_001369030.1, NM_001369031.1, NM_001369032.1 and 1 more transcripts); c.945+8100A>G (NM_001353922.2); c.861+8100A>G (NM_001369041.1, NM_001353927.2); and 2 more; short protein forms N275S, N348S, N335S, N233S, N282S, N314S, N342S.
Identifiers: ClinVar variation 2963241 (VCV002963241.3), dbSNP rs1556347319, ClinGen allele CA413405597.